The following is an entry in ClinVar:

NM_000350.3(ABCA4):c.3664_3669del (p.Val1222_Glu1223del)

Genes: ABCA4 (ATP binding cassette subfamily A member 4; minus strand), LOC126805794 (BRD4-independent group 4 enhancer GRCh37_chr1:94502188-94503387; plus strand). Cytogenetic location: 1p22.1.
Variant type: Deletion.
Coding change: c.3664_3669del on transcript NM_000350.3 (MANE Select); coding-DNA positions 3664 to 3669, 6 bases deleted (GTGGAG; older notation c.3664_3669delGTGGAG).
Protein change: p.Val1222_Glu1223del.
Molecular consequence: inframe deletion. On other transcripts: inframe indel (1).
Genome position (GRCh38, 1-based): chr1:94,037,289-94,037,294, CTCCAC deleted on the plus strand (GTGGAG on the coding strand, the reverse complement: ABCA4 is on the minus strand); deleting any 6 consecutive bases within chr1:94,037,289-94,037,295 gives the same sequence; the c. name uses the placement nearest the transcript's 3' end. VCF-style (leftmost placement, unchanged base first): chr1-94037288-ACTCCAC-A. GRCh37 (hg19) VCF-style: chr1-94502844-ACTCCAC-A.
Other names: c.3441_3446delGGTGGA, p.Val1148_Glu1149del (NM_001425324.1).
Identifiers: ClinVar variation 801514 (VCV000801514.9), dbSNP rs1570367367, ClinGen allele CA915941325.

ClinVar aggregate classification (germline): Conflicting classifications of pathogenicity. Review status: criteria provided, conflicting classifications (1 of 4 stars). 3 submissions from 3 submitters: Likely pathogenic (1); Uncertain significance (2). Last evaluated 2026-03-04.

Conditions:
Severe early-childhood-onset retinal dystrophy (STGD1). Also called: Stargardt macular dystrophy; Juvenile onset macular degeneration; Stargardt disease 1; MACULAR DYSTROPHY WITH FLECKS, TYPE 1; STGD. Identifiers: Orphanet 364055, Orphanet 827, MedGen C1855465, MeSH D000080362, MONDO:0009549, OMIM 248200.

Submissions (3):

Dasa
Classification: Uncertain significance. Last evaluated: 2026-03-04. Review status: criteria provided, single submitter. Criteria: DASA Assertion Criteria. Collection method: clinical testing. Allele origin: germline.
Comment: NM_000350.3(ABCA4):c.3664_3669del (p.Val1222_Glu1223del) is an in-frame deletion predicted to remove amino acids from valine at protein position 1222 through glutamic acid at protein position 1223 without shifting the reading frame. This variant has been observed in affected individuals with ABCA4-related disorders. Also, this variant is absent from population databases. The currently available literature and clinical evidence are not sufficient to establish a definitive association between this variant and the reported condition. Therefore, this variant is classified as a variant of uncertain significance.

Labcorp Genetics (formerly Invitae), Labcorp
Classification: Likely pathogenic. Last evaluated: 2023-05-08. Review status: criteria provided, single submitter. Criteria: Invitae Variant Classification Sherloc (09022015). Collection method: clinical testing. Allele origin: germline.
Comment: This variant, c.3664_3669del, results in the deletion of 2 amino acid(s) of the ABCA4 protein (p.Val1222_Glu1223del), but otherwise preserves the integrity of the reading frame. This variant is not present in population databases (gnomAD no frequency). This variant has been observed in individual(s) with Stargardt disease (Invitae). ClinVar contains an entry for this variant (Variation ID: 801514). In summary, the currently available evidence indicates that the variant is pathogenic, but additional data are needed to prove that conclusively. Therefore, this variant has been classified as Likely Pathogenic.

Mendelics
Classification: Uncertain significance for Severe early-childhood-onset retinal dystrophy. Last evaluated: 2019-05-28. Review status: criteria provided, single submitter. Criteria: Mendelics Assertion Criteria 2017. Collection method: clinical testing. Allele origin: unknown.